The following is an entry in ClinVar:

ClinVar aggregate classification (germline): Uncertain significance (1 of 4 stars; one submission).

Allele frequency attached by ClinVar (database versions not stated): ExAC 0.00001; ESP Exome Variant Server 0.00008.
gnomAD v4.1: 5 of 1,614,154 alleles (0.00031%); highest among the groups gnomAD compares: Admixed American, 0.0017%; no homozygotes.

Submission:

Ambry Genetics
Classification: Uncertain significance. Last evaluated: 2023-11-15. Review status: criteria provided, single submitter. Criteria: Ambry Variant Classification Scheme 2023. Collection method: clinical testing. Allele origin: germline.
Comment: The p.A453V variant (also known as c.1358C>T), located in coding exon 6 of the PALLD gene, results from a C to T substitution at nucleotide position 1358. The alanine at codon 453 is replaced by valine, an amino acid with similar properties. This amino acid position is conserved. In addition, this alteration is predicted to be tolerated by in silico analysis. Since supporting evidence is limited at this time, the clinical significance of this alteration remains unclear.

NM_001166108.2(PALLD):c.1358C>T (p.Ala453Val)

Gene: PALLD (palladin, cytoskeletal associated protein; plus strand). Cytogenetic location: 4q32.3.
Variant type: single nucleotide variant.
Coding change: c.1358C>T on transcript NM_001166108.2 (MANE Select); coding-DNA position 1358, C replaced by T.
Protein change: p.Ala453Val; replaces alanine 453 with valine.
Molecular consequence: missense variant.
Genome position (GRCh38, 1-based): chr4:168,690,625, C>T. VCF-style: chr4-168690625-C-T. GRCh37 (hg19) VCF-style: chr4-169611776-C-T.
Other names: c.212C>T, p.Ala71Val (NM_001166109.2); c.1358C>T, p.Ala453Val (NM_016081.4); short protein forms A71V, A453V.
Identifiers: ClinVar variation 1770738 (VCV001770738.2), dbSNP rs142714330, ClinGen allele CA3135595.